The following is an entry in ClinVar:

ClinVar aggregate classification (germline): Uncertain significance (1 of 4 stars; one submission).

Conditions:
Inborn genetic diseases. Identifiers: MedGen C0950123, MeSH D030342.

Submission:

Ambry Genetics
Classification: Uncertain significance for Inborn genetic diseases. Last evaluated: 2025-09-26. Review status: criteria provided, single submitter. Criteria: Ambry Variant Classification Scheme 2023. Collection method: clinical testing. Allele origin: germline.
Comment: The p.P920Q variant (also known as c.2759C>A), located in coding exon 14 of the FANCM gene, results from a C to A substitution at nucleotide position 2759. The proline at codon 920 is replaced by glutamine, an amino acid with similar properties. This amino acid position is conserved. In addition, this alteration is predicted to be tolerated by in silico analysis. Based on the available evidence, the clinical significance of this variant remains unclear.

NM_020937.4(FANCM):c.2759C>A (p.Pro920Gln)

Gene: FANCM (FA complementation group M; plus strand). Cytogenetic location: 14q21.2.
Variant type: single nucleotide variant.
Coding change: c.2759C>A on transcript NM_020937.4 (MANE Select); coding-DNA position 2759, C replaced by A.
Protein change: p.Pro920Gln; replaces proline 920 with glutamine.
Molecular consequence: missense variant.
Genome position (GRCh38, 1-based): chr14:45,175,513, C>A. VCF-style: chr14-45175513-C-A. GRCh37 (hg19) VCF-style: chr14-45644716-C-A.
Other names: c.2681C>A, p.Pro894Gln (NM_001308133.2); short protein forms P920Q, P894Q.
Identifiers: ClinVar variation 4619454 (VCV004619454.1).
Genomic context (GRCh38, chr14:45,175,513, plus strand): 5'-CATCAGATACAGATGAAATTGCTGCCACATGTACTATTAATGAAAATGTTATTAAAGAAC[C>A]GTGTGTGTTATTAACAGAGTGTCAGTTTACAAATAAATCCACTAGTTCACTTGCTGGAAA-3'
Protein context (NP_065988.1, residues 910-930): CTINENVIKE[Pro920Gln]CVLLTECQFT